The following is an entry in ClinVar:

ClinVar aggregate classification (germline): Uncertain significance (1 of 4 stars; one submission).

Conditions:
Spastic paraplegia. Identifiers: MedGen C0037772, HP:0001258.

Allele frequency attached by ClinVar (database versions not stated): ExAC 0.00001; gnomAD 0.00001; ESP Exome Variant Server 0.00008.

Submission:

Labcorp Genetics (formerly Invitae), Labcorp
Classification: Uncertain significance for Spastic paraplegia. Last evaluated: 2018-12-18. Review status: criteria provided, single submitter. Criteria: Invitae Variant Classification Sherloc (09022015). Collection method: clinical testing. Allele origin: germline.
Comment: This sequence change replaces methionine with valine at codon 240 of the FA2H protein (p.Met240Val). The methionine residue is moderately conserved and there is a small physicochemical difference between methionine and valine. This variant is present in population databases (rs367933620, ExAC 0.002%). This variant has not been reported in the literature in individuals with FA2H-related disease. Algorithms developed to predict the effect of missense changes on protein structure and function (SIFT, PolyPhen-2, Align-GVGD) all suggest that this variant is likely to be tolerated, but these predictions have not been confirmed by published functional studies and their clinical significance is uncertain. In summary, the available evidence is currently insufficient to determine the role of this variant in disease. Therefore, it has been classified as a Variant of Uncertain Significance.

NM_024306.5(FA2H):c.718A>G (p.Met240Val)

Gene: FA2H (fatty acid 2-hydroxylase; minus strand). Cytogenetic location: 16q23.1.
Variant type: single nucleotide variant.
Coding change: c.718A>G on transcript NM_024306.5 (MANE Select); coding-DNA position 718, A replaced by G.
Protein change: p.Met240Val; replaces methionine 240 with valine.
Molecular consequence: missense variant.
Genome position (GRCh38, 1-based): chr16:74,719,056, T>C on the plus strand (A>G on the coding strand, the complement: FA2H is on the minus strand). VCF-style: chr16-74719056-T-C. GRCh37 (hg19) VCF-style: chr16-74752954-T-C.
Other names: short protein forms M240V.
Identifiers: ClinVar variation 650055 (VCV000650055.8), dbSNP rs367933620, ClinGen allele CA8170427.